The following is an entry in ClinVar:

ClinVar aggregate classification (germline): Uncertain significance (1 of 4 stars; one submission).

Allele frequency attached by ClinVar (database versions not stated): ExAC 0.00006; ESP Exome Variant Server 0.00008; 1000 Genomes Project 30x 0.00016; 1000 Genomes Project 0.00020.
gnomAD v4.1: 72 of 1,613,718 alleles (0.0045%); highest among the groups gnomAD compares: East Asian, 0.054%; no homozygotes.

Submission:

Ambry Genetics
Classification: Uncertain significance. Last evaluated: 2023-02-03. Review status: criteria provided, single submitter. Criteria: Ambry Variant Classification Scheme 2023. Collection method: clinical testing. Allele origin: germline.
Comment: The p.G160S variant (also known as c.478G>A), located in coding exon 3 of the MNDA gene, results from a G to A substitution at nucleotide position 478. The glycine at codon 160 is replaced by serine, an amino acid with similar properties. This amino acid position is conserved. In addition, this alteration is predicted to be tolerated by in silico analysis. Since supporting evidence is limited at this time, the clinical significance of this alteration remains unclear.

NM_002432.3(MNDA):c.478G>A (p.Gly160Ser)

Gene: MNDA (myeloid cell nuclear differentiation antigen; plus strand). Cytogenetic location: 1q23.1.
Variant type: single nucleotide variant.
Coding change: c.478G>A on transcript NM_002432.3 (MANE Select); coding-DNA position 478, G replaced by A.
Protein change: p.Gly160Ser; replaces glycine 160 with serine.
Molecular consequence: missense variant.
Genome position (GRCh38, 1-based): chr1:158,844,030, G>A. VCF-style: chr1-158844030-G-A. GRCh37 (hg19) VCF-style: chr1-158813820-G-A.
Other names: short protein forms G160S.
Identifiers: ClinVar variation 2496954 (VCV002496954.2), dbSNP rs373529778, ClinGen allele CA1185611.
Genomic context (GRCh38, chr1:158,844,030, plus strand): 5'-AACAAAGAAAAGACTGAAGCCAAAAGGAATAAGGTGTCCCAAGAGCAGAGTAAGCCCCCA[G>A]GTCCCTCAGGAGCCAGCACATCTGCAGCTGTGGATCATCCCCCACTACCCCAGACCTCAT-3'
Protein context (NP_002423.1, residues 150-170): KVSQEQSKPP[Gly160Ser]PSGASTSAAV